The following is an entry in ClinVar:

NM_001082971.2(DDC):c.68G>T (p.Gly23Val)

Gene: DDC (dopa decarboxylase; minus strand). Cytogenetic location: 7p12.1.
Variant type: single nucleotide variant.
Coding change: c.68G>T on transcript NM_001082971.2 (MANE Select); coding-DNA position 68, G replaced by T.
Protein change: p.Gly23Val; replaces glycine 23 with valine.
Molecular consequence: missense variant.
Genome position (GRCh38, 1-based): chr7:50,544,018, C>A on the plus strand (G>T on the coding strand, the complement: DDC is on the minus strand). VCF-style: chr7-50544018-C-A. GRCh37 (hg19) VCF-style: chr7-50611716-C-A.
Other names: c.68G>T, p.Gly23Val (NM_000790.4, NM_001242886.2, NM_001242887.2 and 3 more transcripts); short protein forms G23V.
Identifiers: ClinVar variation 1805502 (VCV001805502.1), dbSNP rs2044722637, ClinGen allele CA367532096.

ClinVar aggregate classification (germline): Likely pathogenic (1 of 4 stars; one submission).

Conditions:
Deficiency of aromatic-L-amino-acid decarboxylase. Also called: AADC DEFICIENCY; DDC DEFICIENCY; DOPA DECARBOXYLASE DEFICIENCY; Aromatic L-Amino Acid Decarboxylase Deficiency; Aromatic amino acid decarboxylase deficiency. Identifiers: Orphanet 35708, MedGen C1291564, MONDO:0012084, OMIM 608643.

gnomAD v4.1: 7 of 1,614,194 alleles (0.00043%); highest among the groups gnomAD compares: Non-Finnish European, 0.00051%; no homozygotes.

Submission:

Victorian Clinical Genetics Services, Murdoch Childrens Research Institute
Classification: Likely pathogenic for Deficiency of aromatic-L-amino-acid decarboxylase. Last evaluated: 2022-02-02. Review status: criteria provided, single submitter. Criteria: ACMG Guidelines, 2015. Collection method: clinical testing. Allele origin: germline. Inheritance: Autosomal recessive inheritance.
Comment: Based on the classification scheme VCGS_Germline_v1.3.4, this variant is classified as Likely pathogenic. Following criteria are met: 0102 - Loss of function is a known mechanism of disease in this gene and is associated with aromatic L-amino acid decarboxylase deficiency (AADC deficiency) (MIM#608643) (PMID: 33808712, PMID: 31104889, PMID: 24865461, PMID: 17240182). (I) 0106 - This gene is associated with autosomal recessive disease. (I) 0200 - Variant is predicted to result in a missense amino acid change from glycine to valine. (I) 0251 - This variant is heterozygous. (I) 0301 - Variant is absent from gnomAD (both v2 and v3). (SP) 0502 - Missense variant with conflicting in silico predictions and uninformative conservation. (I) 0604 - Variant is not located in an established domain, motif, hotspot or informative constraint region. (I) 0705 - No comparable missense variants have previous evidence for pathogenicity. (I) 0807 - This variant has no previous evidence of pathogenicity. (I) 0905 - No published segregation evidence has been identified for this variant. (I) 1005 - Clinically accredited laboratory assay specific to gene product shows abnormal protein function. (SP) 1102 - Strong phenotype match for this individual. (SP) 1201 - Heterozygous variant detected in trans with a second pathogenic heterozygous variant (c.1339C>T; p.Arg447Cys) in a recessive disease. (I) Legend: (SP) - Supporting pathogenic, (I) - Information, (SB) - Supporting benign

Literature cited by the submitters: PubMed 17240182; PubMed 24865461; PubMed 31104889; PubMed 33808712.